The following is an entry in ClinVar:

NM_021620.4(PRDM13):c.1877G>A (p.Gly626Asp)

Gene: PRDM13 (PR/SET domain 13; plus strand). Cytogenetic location: 6q16.2.
Variant type: single nucleotide variant.
Coding change: c.1877G>A on transcript NM_021620.4 (MANE Select); coding-DNA position 1877, G replaced by A.
Protein change: p.Gly626Asp; replaces glycine 626 with aspartic acid.
Molecular consequence: missense variant.
Genome position (GRCh38, 1-based): chr6:99,614,512, G>A. VCF-style: chr6-99614512-G-A. GRCh37 (hg19) VCF-style: chr6-100062388-G-A.
Other names: short protein forms G626D.
Identifiers: ClinVar variation 1395802 (VCV001395802.6), dbSNP rs2114501606, ClinGen allele CA365122079.

ClinVar aggregate classification (germline): Uncertain significance (1 of 4 stars; one submission).

Submission:

Labcorp Genetics (formerly Invitae), Labcorp
Classification: Uncertain significance. Last evaluated: 2021-11-30. Review status: criteria provided, single submitter. Criteria: Invitae Variant Classification Sherloc (09022015). Collection method: clinical testing. Allele origin: germline.
Comment: In summary, the available evidence is currently insufficient to determine the role of this variant in disease. Therefore, it has been classified as a Variant of Uncertain Significance. Algorithms developed to predict the effect of missense changes on protein structure and function (SIFT, PolyPhen-2, Align-GVGD) all suggest that this variant is likely to be disruptive. This variant has not been reported in the literature in individuals affected with PRDM13-related conditions. This variant is not present in population databases (gnomAD no frequency). This sequence change replaces glycine, which is neutral and non-polar, with aspartic acid, which is acidic and polar, at codon 626 of the PRDM13 protein (p.Gly626Asp).